The following is an entry in ClinVar:

ClinVar aggregate classification (germline): Uncertain significance (1 of 4 stars; one submission).

Conditions:
Hypertrophic cardiomyopathy 10. Also called: MYL2-Related Familial Hypertrophic Cardiomyopathy; CARDIOMYOPATHY, HYPERTROPHIC, MID-LEFT VENTRICULAR CHAMBER TYPE, 2. Identifiers: MedGen C1834460, MONDO:0012112, OMIM 608758.

Submission:

Labcorp Genetics (formerly Invitae), Labcorp
Classification: Uncertain significance for Hypertrophic cardiomyopathy 10. Last evaluated: 2022-05-07. Review status: criteria provided, single submitter. Criteria: Invitae Variant Classification Sherloc (09022015). Collection method: clinical testing. Allele origin: germline.
Comment: This sequence change creates a premature translational stop signal (p.Asp117*) in the MYL2 gene. It is expected to result in an absent or disrupted protein product. However, the current clinical and genetic evidence is not sufficient to establish whether loss-of-function variants in MYL2 cause disease. This variant is not present in population databases (gnomAD no frequency). This variant has not been reported in the literature in individuals affected with MYL2-related conditions. In summary, the available evidence is currently insufficient to determine the role of this variant in disease. Therefore, it has been classified as a Variant of Uncertain Significance.

NM_000432.4(MYL2):c.341_348dup (p.Asp117Ter)

Gene: MYL2 (myosin light chain 2; minus strand). Cytogenetic location: 12q24.11.
Variant type: Duplication.
Coding change: c.341_348dup on transcript NM_000432.4 (MANE Select); coding-DNA positions 341 to 348, 8 bases duplicated (TGAAGGCT; older notation c.341_348dupTGAAGGCT).
Protein change: p.Asp117Ter; replaces aspartic acid 117 with a stop codon.
Molecular consequence: nonsense. On other transcripts: frameshift variant (3).
Genome position (GRCh38, 1-based): chr12:110,913,251-110,913,258, AGCCTTCA duplicated on the plus strand (TGAAGGCT on the coding strand, the reverse complement: MYL2 is on the minus strand). VCF-style (leftmost placement, unchanged base first): chr12-110913250-C-CAGCCTTCA. GRCh37 (hg19) VCF-style: chr12-111351054-C-CAGCCTTCA.
Other names: c.299_306dup, p.Asp103Terfs (NM_001406745.1, NM_001406746.1); c.284_291dup, p.Asp98Terfs (NM_001406916.1); short protein forms D117*.
Identifiers: ClinVar variation 2129339 (VCV002129339.4), dbSNP rs2499808492, ClinGen allele CA2580085801.